The following is an entry in ClinVar:

ClinVar aggregate classification (germline): Uncertain significance (1 of 4 stars; one submission).

Conditions:
Hereditary cancer-predisposing syndrome. Also called: Tumor predisposition; Hereditary neoplastic syndrome; Neoplastic Syndromes, Hereditary; Hereditary Cancer Syndrome. Identifiers: Orphanet 140162, MedGen C0027672, MeSH D009386, MONDO:0015356.

Submission:

Ambry Genetics
Classification: Uncertain significance for Hereditary cancer-predisposing syndrome. Last evaluated: 2025-06-05. Review status: criteria provided, single submitter. Criteria: Ambry Variant Classification Scheme 2023. Collection method: clinical testing. Allele origin: germline.
Comment: The p.Q465H variant (also known as c.1395G>T), located in coding exon 13 of the FANCC gene, results from a G to T substitution at nucleotide position 1395. The glutamine at codon 465 is replaced by histidine, an amino acid with highly similar properties. This amino acid position is conserved. In addition, this alteration is predicted to be tolerated by in silico analysis. Based on the available evidence, the clinical significance of this variant remains unclear.

NM_000136.3(FANCC):c.1395G>T (p.Gln465His)

Genes: AOPEP (aminopeptidase O (putative); plus strand), FANCC (FA complementation group C; minus strand). Cytogenetic location: 9q22.32.
Variant type: single nucleotide variant.
Coding change: c.1395G>T on transcript NM_000136.3 (MANE Select); coding-DNA position 1395, G replaced by T.
Protein change: p.Gln465His; replaces glutamine 465 with histidine.
Molecular consequence: missense variant.
Genome position (GRCh38, 1-based): chr9:95,107,204, C>A on the plus strand (G>T on the coding strand, the complement: FANCC is on the minus strand). VCF-style: chr9-95107204-C-A. GRCh37 (hg19) VCF-style: chr9-97869486-C-A.
Other names: c.1395G>T, p.Gln465His (NM_001243743.2); short protein forms Q465H.
Identifiers: ClinVar variation 4022436 (VCV004022436.1).
Genomic context (GRCh38, chr9:95,107,204, plus strand): 5'-CTGTTGTGCAGGAGCTCTGAGGTCTGTGTCTGTGCCCTGTCCTGCTACCGTCTGCAGGTC[C>A]TGGGCTGAGAGGCTGCTGCTTCTGGACATTGCCAGGAGGTGGCCCAGCACGGCCTTCACC-3'
Protein context (NP_000127.2, residues 455-475): AMSRSSSLSA[Gln465His]DLQTVAGQGT